The following is an entry in ClinVar:

ClinVar aggregate classification (germline): Conflicting classifications of pathogenicity. Review status: criteria provided, conflicting classifications (1 of 4 stars). 2 submissions from 2 submitters: Uncertain significance (1); Likely benign (1). Last evaluated 2025-09-09.

Allele frequency attached by ClinVar (database versions not stated): ExAC 0.00009; gnomAD exomes 0.00009; 1000 Genomes Project 0.00060; 1000 Genomes Project 30x 0.00062.
gnomAD v4.1: 65 of 1,613,830 alleles (0.004%); highest among the groups gnomAD compares: East Asian, 0.06%; no homozygotes.

Submissions (2):

Labcorp Genetics (formerly Invitae), Labcorp
Classification: Uncertain significance. Last evaluated: 2025-09-09. Review status: criteria provided, single submitter. Criteria: Invitae Variant Classification Sherloc (09022015). Collection method: clinical testing. Allele origin: germline.
Comment: This sequence change replaces methionine, which is neutral and non-polar, with valine, which is neutral and non-polar, at codon 969 of the RP1 protein (p.Met969Val). This variant is present in population databases (rs181497543, gnomAD 0.07%). This variant has not been reported in the literature in individuals affected with RP1-related conditions. ClinVar contains an entry for this variant (Variation ID: 1414266). An algorithm developed to predict the effect of missense changes on protein structure and function outputs the following: PolyPhen-2: "Benign". The valine amino acid residue is found in multiple mammalian species, which suggests that this missense change does not adversely affect protein function. In summary, the available evidence is currently insufficient to determine the role of this variant in disease. Therefore, it has been classified as a Variant of Uncertain Significance.

Blueprint Genetics
Classification: Likely benign. Last evaluated: 2024-05-15. Review status: criteria provided, single submitter. Criteria: ACMG Guidelines, 2015. Collection method: clinical testing. Allele origin: germline.

NM_006269.2(RP1):c.2905A>G (p.Met969Val)

Gene: RP1 (RP1 axonemal microtubule associated; plus strand). Cytogenetic location: 8q12.1.
Variant type: single nucleotide variant.
Coding change: c.2905A>G on transcript NM_006269.2 (MANE Select); coding-DNA position 2905, A replaced by G.
Protein change: p.Met969Val; replaces methionine 969 with valine.
Molecular consequence: missense variant. On other transcripts: intron variant (1).
Genome position (GRCh38, 1-based): chr8:54,626,787, A>G. VCF-style: chr8-54626787-A-G. GRCh37 (hg19) VCF-style: chr8-55539347-A-G.
Other names: c.787+4499A>G (NM_001375654.1); short protein forms M969V.
Identifiers: ClinVar variation 1414266 (VCV001414266.7), dbSNP rs181497543, ClinGen allele CA4751605.